The following is an entry in ClinVar:

NM_000219.6(KCNE1):c.13A>G (p.Asn5Asp)

Gene: KCNE1 (potassium voltage-gated channel subfamily E regulatory subunit 1; minus strand). Cytogenetic location: 21q22.12.
Variant type: single nucleotide variant.
Coding change: c.13A>G on transcript NM_000219.6 (MANE Select); coding-DNA position 13, A replaced by G.
Protein change: p.Asn5Asp; replaces asparagine 5 with aspartic acid.
Molecular consequence: missense variant.
Genome position (GRCh38, 1-based): chr21:34,449,622, T>C on the plus strand (A>G on the coding strand, the complement: KCNE1 is on the minus strand). VCF-style: chr21-34449622-T-C. GRCh37 (hg19) VCF-style: chr21-35821920-T-C.
Other names: c.13A>G, p.Asn5Asp (NM_001127668.4, NM_001127669.4, NM_001127670.4 and 4 more transcripts); short protein forms N5D.
Identifiers: ClinVar variation 3374127 (VCV003374127.2).
Genomic context (GRCh38, chr21:34,449,622, plus strand): 5'-CACCCTGCTGAACTGTCTCCTGCCACAGCTTGGTCAGAAAGGGCGTCACCGCTGTGGTGT[T>C]AGACAGGATCATCCTGGGCATTAAGGTTCCACTGCTGCAGCTCAAACTTCCCAGGCACAC-3'
Protein context (NP_000210.2, residues 1-15): MILS[Asn5Asp]TTAVTPFLTK

Conditions:
Long QT syndrome 5 (LQT5). Identifiers: Orphanet 101016, Orphanet 768, MedGen C1867904, MONDO:0013372, OMIM 613695.

Submission:

Roden Lab, Vanderbilt University Medical Center
No classification provided (evidence only). Condition: Long QT syndrome 5. Review status: no classification provided. Collection method: in vitro. Allele origin: not applicable. Functional consequence: Effect on ion channel function.
ClinVar note: "not provided" was previously submitted as the classification for the variant. However, the classification appeared to be based only on an observation of functional data so it was converted to no classification on 2025-07-30.